The following is an entry in ClinVar:

NM_001353345.2(SETD1B):c.2079ACC[3] (p.Pro699del)

Gene: SETD1B (SET domain containing 1B, histone lysine methyltransferase; plus strand). Cytogenetic location: 12q24.31.
Variant type: Microsatellite.
Coding change: c.2079ACC[3] on transcript NM_001353345.2 (MANE Select); three copies in a row of the 3-base unit ACC starting at c.2079; the reference has four copies in a row; one copy, 3 bases deleted.
Protein change: p.Pro699del; deletes proline 699.
Genome position (GRCh38, 1-based): chr12:121,814,303-121,814,305, ACC deleted; deleting any 3 consecutive bases within chr12:121,814,292-121,814,305 gives the same sequence; the position shown is the placement nearest the transcript's 3' end. VCF-style (leftmost placement, unchanged base first): chr12-121814291-CCCA-C. GRCh37 (hg19) VCF-style: chr12-122252197-CCCA-C.
Other names: short protein forms P699del.
Identifiers: ClinVar variation 4918951 (VCV004918951.2).

ClinVar aggregate classification (germline): Benign/Likely benign. Review status: criteria provided, multiple submitters, no conflicts (2 of 4 stars). 2 submissions from 2 submitters: Benign (1); Likely benign (1). Last evaluated 2026-08-01.

Submissions (2):

CeGaT Center for Human Genetics Tuebingen
Classification: Benign. Last evaluated: 2026-08-01. Review status: criteria provided, single submitter. Criteria: CeGaT Center For Human Genetics Tuebingen Variant Classification Criteria Version 2. Collection method: clinical testing. Allele origin: germline. Affected: yes. Observed: 1 variant allele.
Comment: SETD1B: BS1, BS2

Blueprint Genetics
Classification: Likely benign. Last evaluated: 2024-11-14. Review status: criteria provided, single submitter. Criteria: ACMG Guidelines, 2015. Collection method: clinical testing. Allele origin: germline.